The following is an entry in ClinVar:

NM_002878.4(RAD51D):c.446T>G (p.Leu149Arg)

Genes: RAD51L3-RFFL (RAD51L3-RFFL readthrough; minus strand), RAD51D (RAD51 paralog D; minus strand). Cytogenetic location: 17q12.
Variant type: single nucleotide variant.
Coding change: c.446T>G on transcript NM_002878.4 (MANE Select); coding-DNA position 446, T replaced by G.
Protein change: p.Leu149Arg; replaces leucine 149 with arginine.
Molecular consequence: missense variant. On other transcripts: non-coding transcript variant (1), intron variant (1).
Genome position (GRCh38, 1-based): chr17:35,107,022, A>C on the plus strand (T>G on the coding strand, the complement: RAD51D is on the minus strand). VCF-style: chr17-35107022-A-C. GRCh37 (hg19) VCF-style: chr17-33434041-A-C.
Other names: c.506T>G, p.Leu169Arg (NM_001142571.2); c.145-541T>G (NM_133629.3); short protein forms L169R, L149R.
Identifiers: ClinVar variation 940416 (VCV000940416.6), dbSNP rs2091613013, ClinGen allele CA399089214.

ClinVar aggregate classification (germline): Uncertain significance (1 of 4 stars; one submission).

Conditions:
Breast-ovarian cancer, familial, susceptibility to, 4. Identifiers: Orphanet 145, MedGen C3280345, MONDO:0013669, OMIM 614291.

Submission:

Labcorp Genetics (formerly Invitae), Labcorp
Classification: Uncertain significance for Breast-ovarian cancer, familial, susceptibility to, 4. Last evaluated: 2024-09-04. Review status: criteria provided, single submitter. Criteria: Invitae Variant Classification Sherloc (09022015). Collection method: clinical testing. Allele origin: germline.
Comment: This sequence change replaces leucine, which is neutral and non-polar, with arginine, which is basic and polar, at codon 149 of the RAD51D protein (p.Leu149Arg). This variant is not present in population databases (gnomAD no frequency). This variant has not been reported in the literature in individuals affected with RAD51D-related conditions. ClinVar contains an entry for this variant (Variation ID: 940416). Invitae Evidence Modeling of protein sequence and biophysical properties (such as structural, functional, and spatial information, amino acid conservation, physicochemical variation, residue mobility, and thermodynamic stability) has been performed for this missense variant. However, the output from this modeling did not meet the statistical confidence thresholds required to predict the impact of this variant on RAD51D protein function. In summary, the available evidence is currently insufficient to determine the role of this variant in disease. Therefore, it has been classified as a Variant of Uncertain Significance.